The following is an entry in ClinVar:

ClinVar aggregate classification (germline): Likely benign. Review status: criteria provided, multiple submitters, no conflicts (2 of 4 stars). 3 submissions from 3 submitters: Likely benign (2). 1 of the submissions does not count toward it. Last evaluated 2025-08-07.

Conditions:
Maple syrup urine disease, mild variant (MSUDMV). Identifiers: Orphanet 511, MedGen C3554575, MONDO:0014057, OMIM 615135.
PPM1K-related disorder. Also called: PPM1K-related condition.

Allele frequency attached by ClinVar (database versions not stated): gnomAD exomes 0.00020 and 0.00049; ExAC 0.00060; 1000 Genomes Project 0.00140; gnomAD 0.00205 and 0.00225; ESP Exome Variant Server 0.00223; TOPMed 0.00239; 1000 Genomes Project 30x 0.00250.
gnomAD v4.1: 610 of 1,613,896 alleles (0.038%); highest among the groups gnomAD compares: African/African-American, 0.72%; no homozygotes.

Submissions (3):

Labcorp Genetics (formerly Invitae), Labcorp
Classification: Likely benign for Maple syrup urine disease, mild variant. Last evaluated: 2025-08-07. Review status: criteria provided, single submitter. Criteria: Invitae Variant Classification Sherloc (09022015). Collection method: clinical testing. Allele origin: germline.

Breakthrough Genomics
Classification: Likely benign. Review status: criteria provided, single submitter. Criteria: ACMG Guidelines, 2015. Collection method: not provided. Allele origin: germline. Inheritance: Autosomal recessive inheritance. Affected: yes.

PreventionGenetics, part of Exact Sciences
Classification: Likely benign for PPM1K-related condition. Last evaluated: 2022-10-31. Review status: no assertion criteria provided. Collection method: clinical testing. Allele origin: germline. Not counted in ClinVar's aggregate classification.
Comment: This variant is classified as likely benign based on ACMG/AMP sequence variant interpretation guidelines (Richards et al. 2015 PMID: 25741868, with internal and published modifications).

NM_152542.5(PPM1K):c.629G>A (p.Arg210Gln)

Gene: PPM1K (protein phosphatase, Mg2+/Mn2+ dependent 1K; minus strand). Cytogenetic location: 4q22.1.
Variant type: single nucleotide variant.
Coding change: c.629G>A on transcript NM_152542.5 (MANE Select); coding-DNA position 629, G replaced by A.
Protein change: p.Arg210Gln; replaces arginine 210 with glutamine.
Molecular consequence: missense variant.
Genome position (GRCh38, 1-based): chr4:88,268,819, C>T on the plus strand (G>A on the coding strand, the complement: PPM1K is on the minus strand). VCF-style: chr4-88268819-C-T. GRCh37 (hg19) VCF-style: chr4-89189971-C-T.
Other names: short protein forms R210Q.
Identifiers: ClinVar variation 791728 (VCV000791728.13), dbSNP rs77538297, ClinGen allele CA3005199.